The following is an entry in ClinVar:

NM_004360.5(CDH1):c.832+9A>C

Gene: CDH1 (cadherin 1; plus strand). Cytogenetic location: 16q22.1.
Variant type: single nucleotide variant.
Coding change: c.832+9A>C on transcript NM_004360.5 (MANE Select); 9 bases into the intron after coding-DNA position 832, A replaced by C.
Molecular consequence: intron variant.
Genome position (GRCh38, 1-based): chr16:68,810,350, A>C. VCF-style: chr16-68810350-A-C. GRCh37 (hg19) VCF-style: chr16-68844253-A-C.
Other names: c.-784+9A>C (NM_001317185.2); c.-988+9A>C (NM_001317186.2); c.832+9A>C (NM_001317184.2).
Identifiers: ClinVar variation 2127456 (VCV002127456.5), dbSNP rs1057521268, ClinGen allele CA2576038870.

ClinVar aggregate classification (germline): Likely benign. Review status: criteria provided, multiple submitters, no conflicts (2 of 4 stars). 2 submissions from 2 submitters: Likely benign (2). Last evaluated 2025-11-12.

Conditions:
Hereditary diffuse gastric adenocarcinoma (HDGC). Also called: DIFFUSE GASTRIC AND LOBULAR BREAST CANCER SYNDROME. Identifiers: Orphanet 26106, MedGen C1708349, MONDO:0007648, OMIM 137215.

gnomAD v4.1: 3 of 1,613,162 alleles (0.00019%); highest among the groups gnomAD compares: Non-Finnish European, 0.00025%; no homozygotes.

Submissions (2):

Labcorp Genetics (formerly Invitae), Labcorp
Classification: Likely benign for Hereditary diffuse gastric adenocarcinoma. Last evaluated: 2025-11-12. Review status: criteria provided, single submitter. Criteria: Invitae Variant Classification Sherloc (09022015). Collection method: clinical testing. Allele origin: germline.

Myriad Genetics, Inc.
Classification: Likely benign for Hereditary diffuse gastric adenocarcinoma. Last evaluated: 2024-09-16. Review status: criteria provided, single submitter. Criteria: Myriad Autosomal Dominant, Autosomal Recessive and X-Linked Classification Criteria (2023). Collection method: clinical testing. Allele origin: unknown.
Comment: This variant is considered likely benign. This variant is intronic and is not expected to impact mRNA splicing.